The following is an entry in ClinVar:

NM_022168.4(IFIH1):c.2458C>T (p.Arg820Cys)

Gene: IFIH1 (interferon induced with helicase C domain 1; minus strand). Cytogenetic location: 2q24.2.
Variant type: single nucleotide variant.
Coding change: c.2458C>T on transcript NM_022168.4 (MANE Select); coding-DNA position 2458, C replaced by T.
Protein change: p.Arg820Cys; replaces arginine 820 with cysteine.
Molecular consequence: missense variant.
Genome position (GRCh38, 1-based): chr2:162,272,384, G>A on the plus strand (C>T on the coding strand, the complement: IFIH1 is on the minus strand). VCF-style: chr2-162272384-G-A. GRCh37 (hg19) VCF-style: chr2-163128894-G-A.
Other names: short protein forms R820C.
Identifiers: ClinVar variation 3758559 (VCV003758559.2).
Genomic context (GRCh38, chr2:162,272,384, plus strand): 5'-CTCCTGAACCACTGTGAGCAACCAGGACGTAGGTGCTCTCATCAGCTCTGGCTCGACCAC[G>A]GGCCTGAAAACACAAATAAATCAAGTAAATGAAAGGGTACGTTGTGATACAAATCCTCCT-3'
Protein context (NP_071451.2, residues 810-830): VTNEIAMVQA[Arg820Cys]GRARADESTY

ClinVar aggregate classification (germline): Uncertain significance (1 of 4 stars; one submission).

Conditions:
Singleton-Merten syndrome 1 (SGMRT1). Also called: Widened medullary cavities of bone, aortic calcification, abnormal dentition, and muscular weakness; Syndrome of widened medullary cavities of the metacarpals and phalanges, aortic calcification and abnormal dentition. Identifiers: Orphanet 85191, MedGen C4225427, MONDO:0024535, OMIM 182250.
Aicardi-Goutieres syndrome 7 (AGS7). Identifiers: Orphanet 51, MedGen C3888244, MONDO:0014367, OMIM 615846.

gnomAD v4.1: 10 of 1,610,248 alleles (0.00062%); highest among the groups gnomAD compares: East Asian, 0.0067%; no homozygotes.

Submission:

Labcorp Genetics (formerly Invitae), Labcorp
Classification: Uncertain significance for Aicardi-Goutieres syndrome 7; Singleton-Merten syndrome 1. Last evaluated: 2024-10-21. Review status: criteria provided, single submitter. Criteria: Invitae Variant Classification Sherloc (09022015). Collection method: clinical testing. Allele origin: germline.
Comment: This sequence change replaces arginine, which is basic and polar, with cysteine, which is neutral and slightly polar, at codon 820 of the IFIH1 protein (p.Arg820Cys). This variant is present in population databases (no rsID available, gnomAD 0.006%). This variant has not been reported in the literature in individuals affected with IFIH1-related conditions. Invitae Evidence Modeling of protein sequence and biophysical properties (such as structural, functional, and spatial information, amino acid conservation, physicochemical variation, residue mobility, and thermodynamic stability) has been performed for this missense variant. However, the output from this modeling did not meet the statistical confidence thresholds required to predict the impact of this variant on IFIH1 protein function. In summary, the available evidence is currently insufficient to determine the role of this variant in disease. Therefore, it has been classified as a Variant of Uncertain Significance.